The following is an entry in ClinVar:

NM_006361.6(HOXB13):c.256G>C (p.Gly86Arg)

Gene: HOXB13 (homeobox B13; minus strand). Cytogenetic location: 17q21.32.
Variant type: single nucleotide variant.
Coding change: c.256G>C on transcript NM_006361.6 (MANE Select); coding-DNA position 256, G replaced by C.
Protein change: p.Gly86Arg; replaces glycine 86 with arginine.
Molecular consequence: missense variant.
Genome position (GRCh38, 1-based): chr17:48,728,338, C>G on the plus strand (G>C on the coding strand, the complement: HOXB13 is on the minus strand). VCF-style: chr17-48728338-C-G. GRCh37 (hg19) VCF-style: chr17-46805700-C-G.
Other names: short protein forms G86R.
Identifiers: ClinVar variation 950175 (VCV000950175.10), dbSNP rs1437427005, ClinGen allele CA400107828.
Genomic context (GRCh38, chr17:48,728,338, plus strand): 5'-GGGTGGCTGCCTGGGCACAGGGTTTCAGCGAGCTCCGGGACACTCGGCAGGAGTAGTACC[C>G]GCCTCCAAAGTAACCATAAGGCACGGGAGCTGGGGACGTCCCCTGGGGCACCCCAGGGCA-3'
Protein context (NP_006352.2, residues 76-96): APVPYGYFGG[Gly86Arg]YYSCRVSRSS

ClinVar aggregate classification (germline): Uncertain significance. Review status: criteria provided, multiple submitters, no conflicts (2 of 4 stars). 2 submissions from 2 submitters: Uncertain significance (2). Last evaluated 2025-11-17.

Conditions:
Hereditary cancer-predisposing syndrome. Also called: Tumor predisposition; Hereditary neoplastic syndrome; Neoplastic Syndromes, Hereditary; Hereditary Cancer Syndrome. Identifiers: Orphanet 140162, MedGen C0027672, MeSH D009386, MONDO:0015356.

Submissions (2):

Ambry Genetics
Classification: Uncertain significance for Hereditary cancer-predisposing syndrome. Last evaluated: 2025-11-17. Review status: criteria provided, single submitter. Criteria: Ambry Variant Classification Scheme 2023. Collection method: clinical testing. Allele origin: germline.
Comment: The p.G86R variant (also known as c.256G>C), located in coding exon 1 of the HOXB13 gene, results from a G to C substitution at nucleotide position 256. The glycine at codon 86 is replaced by arginine, an amino acid with dissimilar properties. This amino acid position is well conserved in available vertebrate species. In addition, this alteration is predicted to be tolerated by in silico analysis. Based on the available evidence, the clinical significance of this variant remains unclear.

Labcorp Genetics (formerly Invitae), Labcorp
Classification: Uncertain significance. Last evaluated: 2019-07-25. Review status: criteria provided, single submitter. Criteria: Invitae Variant Classification Sherloc (09022015). Collection method: clinical testing. Allele origin: germline.
Comment: This sequence change replaces glycine with arginine at codon 86 of the HOXB13 protein (p.Gly86Arg). The glycine residue is moderately conserved and there is a moderate physicochemical difference between glycine and arginine. This variant is not present in population databases (ExAC no frequency). This variant has not been reported in the literature in individuals with HOXB13-related conditions. Algorithms developed to predict the effect of missense changes on protein structure and function are either unavailable or do not agree on the potential impact of this missense change (SIFT: "Tolerated"; PolyPhen-2: "Probably Damaging"; Align-GVGD: "Class C0"). In summary, the available evidence is currently insufficient to determine the role of this variant in disease. Therefore, it has been classified as a Variant of Uncertain Significance.